The following is an entry in ClinVar:

ClinVar aggregate classification (germline): Conflicting classifications of pathogenicity. Review status: criteria provided, conflicting classifications (1 of 4 stars). 7 submissions from 7 submitters: Uncertain significance (4); Benign (1); Likely benign (2). Last evaluated 2026-08-12.

Conditions:
COL5A1-related disorder. Also called: COL5A1-related condition.
Ehlers-Danlos syndrome, classic type, 1 (EDSCL1). Also called: Ehlers-Danlos syndrome, type 1; Ehlers-Danlos Syndrome, Classic Type, COL5A1-Related; EDS I; EHLERS-DANLOS SYNDROME, GRAVIS TYPE; EHLERS-DANLOS SYNDROME, SEVERE CLASSIC TYPE. Identifiers: MedGen C0268335, MONDO:0019567, OMIM 130000.
Familial thoracic aortic aneurysm and aortic dissection (TAAD). Also called: Thoracic aortic aneurysms and dissections. Identifiers: Orphanet 91387, MedGen C4707243, MONDO:0019625.

Allele frequency attached by ClinVar (database versions not stated): ExAC 0.00001; gnomAD exomes 0.00003 and 0.00007; gnomAD 0.00005 and 0.00006; TOPMed 0.00007; ESP Exome Variant Server 0.00015.
gnomAD v4.1: 108 of 1,613,726 alleles (0.0067%); highest among the groups gnomAD compares: Middle Eastern, 0.016%; no homozygotes.

Submissions (7):

GeneDx
Classification: Uncertain significance. Last evaluated: 2026-08-12. Review status: criteria provided, single submitter. Criteria: GeneDx Variant Classification Process June 2021. Collection method: clinical testing. Allele origin: germline.
Comment: Occurs in the triple helical domain at the X position in the canonical Gly-X-Y repeat; although this variant may have an effect on normal protein folding and function, missense substitution at the X position is not a common mechanism of disease (PMID: 22696272; HGMD); In silico analysis supports that this missense variant has a deleterious effect on protein structure/function; Has not been previously published as pathogenic or benign to our knowledge; This variant is associated with the following publications: (PMID: 22696272)

Ambry Genetics
Classification: Uncertain significance for Familial thoracic aortic aneurysm and aortic dissection. Last evaluated: 2026-05-05. Review status: criteria provided, single submitter. Criteria: Ambry Variant Classification Scheme 2023. Collection method: clinical testing. Allele origin: germline.
Comment: The c.2281C>T (p.P761S) alteration is located in exon 25 (coding exon 25) of the COL5A1 gene. This alteration results from a C to T substitution at nucleotide position 2281, causing the proline (P) at amino acid position 761 to be replaced by a serine (S). Based on data from gnomAD, the T allele has an overall frequency of 0.003% (9/282764) total alleles studied. The highest observed frequency was 0.008% (2/24960) of African alleles. Based on insufficient or conflicting evidence, the clinical significance of this alteration remains unclear.

Women's Health and Genetics/Laboratory Corporation of America, LabCorp
Classification: Likely benign. Last evaluated: 2026-04-03. Review status: criteria provided, single submitter. Criteria: LabCorp Variant Classification Summary - May 2015. Collection method: clinical testing. Allele origin: germline.
Comment: Variant summary: COL5A1 c.2281C>T (p.Pro761Ser) results in a non-conservative amino acid change in the encoded protein sequence. Algorithms developed to predict the effect of missense changes on protein structure and function all suggest that this variant is likely to be disruptive. The variant allele was found at a frequency of 6.7e-05 in 1613726 control chromosomes. The observed variant frequency exceeds the estimated maximal expected allele frequency for disease-causing variants in COL5A1. To our knowledge, no occurrence of c.2281C>T in individuals affected with COL5A1-related conditions and no experimental evidence demonstrating its impact on protein function have been reported. ClinVar contains an entry for this variant (Variation ID: 213041). Based on the evidence outlined above, the variant was classified as likely benign.

Labcorp Genetics (formerly Invitae), Labcorp
Classification: Benign for Ehlers-Danlos syndrome, classic type, 1. Last evaluated: 2026-01-08. Review status: criteria provided, single submitter. Criteria: Invitae Variant Classification Sherloc (09022015). Collection method: clinical testing. Allele origin: germline.

Mayo Clinic Laboratories, Mayo Clinic
Classification: Uncertain significance. Last evaluated: 2025-08-28. Review status: criteria provided, single submitter. Criteria: ACMG Guidelines, 2015. Collection method: clinical testing. Allele origin: germline. Observed: 2 variant alleles.
Comment: PP3

PreventionGenetics, part of Exact Sciences
Classification: Uncertain significance for COL5A1-related condition. Last evaluated: 2025-06-19. Review status: criteria provided, single submitter. Criteria: ACMG Guidelines, 2015. Collection method: clinical testing. Allele origin: germline.
Comment: The COL5A1 c.2281C>T variant is predicted to result in the amino acid substitution p.Pro761Ser. To our knowledge, this variant has not been reported in the literature. This variant is reported in 0.0080% of alleles in individuals of African descent in gnomAD. Although we suspect that this variant may be benign, at this time, the clinical significance of this variant is uncertain due to the absence of conclusive functional and genetic evidence.

Blueprint Genetics
Classification: Likely benign. Last evaluated: 2023-12-20. Review status: criteria provided, single submitter. Criteria: ACMG Guidelines, 2015. Collection method: clinical testing. Allele origin: germline.

NM_000093.5(COL5A1):c.2281C>T (p.Pro761Ser)

Gene: COL5A1 (collagen type V alpha 1 chain; plus strand). Cytogenetic location: 9q34.3.
Variant type: single nucleotide variant.
Coding change: c.2281C>T on transcript NM_000093.5 (MANE Select); coding-DNA position 2281, C replaced by T.
Protein change: p.Pro761Ser; replaces proline 761 with serine.
Molecular consequence: missense variant.
Genome position (GRCh38, 1-based): chr9:134,768,458, C>T. VCF-style: chr9-134768458-C-T. GRCh37 (hg19) VCF-style: chr9-137660304-C-T.
Other names: p.P761S:CCC>TCC; c.2281C>T, p.Pro761Ser (NM_001278074.1); short protein forms P761S.
Identifiers: ClinVar variation 213041 (VCV000213041.27), dbSNP rs140486644, ClinGen allele CA323054.